The following is an entry in ClinVar:

ClinVar aggregate classification (germline): Uncertain significance (1 of 4 stars; one submission).

Conditions:
Leber congenital amaurosis 6 (LCA6). Identifiers: Orphanet 65, MedGen C1854260, MONDO:0013446, OMIM 613826.
Cone-rod dystrophy 13 (CORD13). Identifiers: Orphanet 1872, MedGen C2750720, MONDO:0011987, OMIM 608194.

Allele frequency attached by ClinVar (database versions not stated): gnomAD below 0.00001 and 0.00001.
gnomAD v4.1: 6 of 1,613,316 alleles (0.00037%); highest among the groups gnomAD compares: South Asian, 0.0055%; no homozygotes.

Submission:

Labcorp Genetics (formerly Invitae), Labcorp
Classification: Uncertain significance for Leber congenital amaurosis 6; Cone-rod dystrophy 13. Last evaluated: 2022-01-06. Review status: criteria provided, single submitter. Criteria: Invitae Variant Classification Sherloc (09022015). Collection method: clinical testing. Allele origin: germline.
Comment: In summary, the available evidence is currently insufficient to determine the role of this variant in disease. Therefore, it has been classified as a Variant of Uncertain Significance. Algorithms developed to predict the effect of missense changes on protein structure and function are either unavailable or do not agree on the potential impact of this missense change (SIFT: "Deleterious"; PolyPhen-2: "Benign"; Align-GVGD: "Class C0"). ClinVar contains an entry for this variant (Variation ID: 938996). This variant has not been reported in the literature in individuals affected with RPGRIP1-related conditions. This variant is not present in population databases (gnomAD no frequency). This sequence change replaces serine, which is neutral and polar, with isoleucine, which is neutral and non-polar, at codon 207 of the RPGRIP1 protein (p.Ser207Ile).

NM_020366.4(RPGRIP1):c.620G>T (p.Ser207Ile)

Gene: RPGRIP1 (RPGR interacting protein 1; plus strand). Cytogenetic location: 14q11.2.
Variant type: single nucleotide variant.
Coding change: c.620G>T on transcript NM_020366.4 (MANE Select); coding-DNA position 620, G replaced by T.
Protein change: p.Ser207Ile; replaces serine 207 with isoleucine.
Molecular consequence: missense variant.
Genome position (GRCh38, 1-based): chr14:21,303,363, G>T. VCF-style: chr14-21303363-G-T. GRCh37 (hg19) VCF-style: chr14-21771522-G-T.
Other names: short protein forms S207I.
Identifiers: ClinVar variation 938996 (VCV000938996.9), dbSNP rs763667727, ClinGen allele CA388860519.